The following is an entry in ClinVar:

ClinVar aggregate classification (germline): Uncertain significance (1 of 4 stars; one submission).

Allele frequency attached by ClinVar (database versions not stated): ExAC 0.00003; gnomAD exomes 0.00003; gnomAD 0.00004.
gnomAD v4.1: 49 of 1,613,624 alleles (0.003%); highest among the groups gnomAD compares: Non-Finnish European, 0.0039%; no homozygotes.

Submission:

Labcorp Genetics (formerly Invitae), Labcorp
Classification: Uncertain significance. Last evaluated: 2025-02-12. Review status: criteria provided, single submitter. Criteria: Invitae Variant Classification Sherloc (09022015). Collection method: clinical testing. Allele origin: germline.
Comment: This sequence change replaces proline, which is neutral and non-polar, with leucine, which is neutral and non-polar, at codon 491 of the ACBD5 protein (p.Pro491Leu). This variant is present in population databases (rs774247623, gnomAD 0.009%). This variant has not been reported in the literature in individuals affected with ACBD5-related conditions. ClinVar contains an entry for this variant (Variation ID: 1897628). Invitae Evidence Modeling of protein sequence and biophysical properties (such as structural, functional, and spatial information, amino acid conservation, physicochemical variation, residue mobility, and thermodynamic stability) indicates that this missense variant is not expected to disrupt ACBD5 protein function with a negative predictive value of 80%. In summary, the available evidence is currently insufficient to determine the role of this variant in disease. Therefore, it has been classified as a Variant of Uncertain Significance.

NM_145698.5(ACBD5):c.1472C>T (p.Pro491Leu)

Gene: ACBD5 (acyl-CoA binding domain containing 5; minus strand). Cytogenetic location: 10p12.1.
Variant type: single nucleotide variant.
Coding change: c.1472C>T on transcript NM_145698.5 (MANE Select); coding-DNA position 1472, C replaced by T.
Protein change: p.Pro491Leu; replaces proline 491 with leucine.
Molecular consequence: missense variant.
Genome position (GRCh38, 1-based): chr10:27,204,533, G>A on the plus strand (C>T on the coding strand, the complement: ACBD5 is on the minus strand). VCF-style: chr10-27204533-G-A. GRCh37 (hg19) VCF-style: chr10-27493462-G-A.
Other names: c.1367C>T, p.Pro456Leu (NM_001042473.4, NM_001352577.2, NM_001352578.2 and 1 more transcripts); c.1466C>T, p.Pro489Leu (NM_001271512.3); c.1145C>T, p.Pro382Leu (NM_001301251.2, NM_001301252.2, NM_001301253.2 and 2 more transcripts); c.941C>T, p.Pro314Leu (NM_001301254.2); c.1526C>T, p.Pro509Leu (NM_001352568.1); c.1505C>T, p.Pro502Leu (NM_001352569.1); c.1472C>T, p.Pro491Leu (NM_001352570.1); c.1499C>T, p.Pro500Leu (NM_001352571.1); and 10 more; short protein forms P314L, P432L, P438L, P484L, P509L, P467L, P491L, P498L.
Identifiers: ClinVar variation 1897628 (VCV001897628.3), dbSNP rs774247623, ClinGen allele CA5450624.